The following is an entry in ClinVar:

ClinVar aggregate classification (germline): Pathogenic (1 of 4 stars; one submission).

Conditions:
UDPglucose-4-epimerase deficiency. Also called: GALACTOSEMIA III; GALE DEFICIENCY; UDP-GALACTOSE-4-EPIMERASE DEFICIENCY; Galactose epimerase deficiency; UDPglucose 4-Epimerase Deficiency Disease; Epimerase Deficiency Galactosemia. Identifiers: Orphanet 352, Orphanet 79238, MedGen C0751161, MONDO:0009257, OMIM 230350.

Submission:

Labcorp Genetics (formerly Invitae), Labcorp
Classification: Pathogenic for UDPglucose-4-epimerase deficiency. Last evaluated: 2024-03-18. Review status: criteria provided, single submitter. Criteria: Invitae Variant Classification Sherloc (09022015). Collection method: clinical testing. Allele origin: germline.
Comment: This sequence change creates a premature translational stop signal (p.Val124*) in the GALE gene. It is expected to result in an absent or disrupted protein product. Loss-of-function variants in GALE are known to be pathogenic (PMID: 16301867). This variant is present in population databases (rs746418042, gnomAD 0.006%). This variant has not been reported in the literature in individuals affected with GALE-related conditions. For these reasons, this variant has been classified as Pathogenic.

Literature cited by the submitters: PubMed 16301867.

NM_001008216.2(GALE):c.370del (p.Gly123_Val124insTer)

Gene: GALE (UDP-galactose-4-epimerase; minus strand). Cytogenetic location: 1p36.11.
Variant type: Deletion.
Coding change: c.370del on transcript NM_001008216.2 (MANE Select); coding-DNA position 370, one base deleted (G; older notation c.370delG).
Protein change: p.Gly123_Val124insTer.
Molecular consequence: nonsense.
Genome position (GRCh38, 1-based): chr1:23,797,853, C deleted on the plus strand (G on the coding strand, the reverse complement: GALE is on the minus strand); the first of 4 consecutive C bases (chr1:23,797,853-23,797,856); deleting any one gives the same sequence. VCF-style (leftmost placement, unchanged base first): chr1-23797852-AC-A. GRCh37 (hg19) VCF-style: chr1-24124342-AC-A.
Other names: c.370del, p.Gly123_Val124insTer (NM_000403.4, NM_001127621.2).
Identifiers: ClinVar variation 3646597 (VCV003646597.2).